The following is an entry in ClinVar:

NM_001270508.2(TNFAIP3):c.1316G>T (p.Arg439Leu)

Gene: TNFAIP3 (TNF alpha induced protein 3; plus strand). Cytogenetic location: 6q23.3.
Variant type: single nucleotide variant.
Coding change: c.1316G>T on transcript NM_001270508.2 (MANE Select); coding-DNA position 1316, G replaced by T.
Protein change: p.Arg439Leu; replaces arginine 439 with leucine.
Molecular consequence: missense variant.
Genome position (GRCh38, 1-based): chr6:137,878,761, G>T. VCF-style: chr6-137878761-G-T. GRCh37 (hg19) VCF-style: chr6-138199898-G-T.
Other names: c.1316G>T, p.Arg439Leu (NM_001270507.2, NM_006290.4); short protein forms R439L.
Identifiers: ClinVar variation 2776742 (VCV002776742.3), dbSNP rs755138189, ClinGen allele CA365789672.

ClinVar aggregate classification (germline): Uncertain significance (1 of 4 stars; one submission).

Submission:

Labcorp Genetics (formerly Invitae), Labcorp
Classification: Uncertain significance. Last evaluated: 2025-05-11. Review status: criteria provided, single submitter. Criteria: Invitae Variant Classification Sherloc (09022015). Collection method: clinical testing. Allele origin: germline.
Comment: This sequence change replaces arginine, which is basic and polar, with leucine, which is neutral and non-polar, at codon 439 of the TNFAIP3 protein (p.Arg439Leu). This variant is present in population databases (no rsID available, gnomAD 0.01%). This variant has not been reported in the literature in individuals affected with TNFAIP3-related conditions. ClinVar contains an entry for this variant (Variation ID: 2776742). Invitae Evidence Modeling of protein sequence and biophysical properties (such as structural, functional, and spatial information, amino acid conservation, physicochemical variation, residue mobility, and thermodynamic stability) indicates that this missense variant is not expected to disrupt TNFAIP3 protein function with a negative predictive value of 80%. In summary, the available evidence is currently insufficient to determine the role of this variant in disease. Therefore, it has been classified as a Variant of Uncertain Significance.